The following is an entry in ClinVar:

ClinVar aggregate classification (germline): Uncertain significance (1 of 4 stars; one submission).

gnomAD v4.1: 1 of 1,614,168 alleles (0.000062%); highest among the groups gnomAD compares: South Asian, 0.0011%; no homozygotes.

Submission:

Ambry Genetics
Classification: Uncertain significance. Last evaluated: 2022-04-07. Review status: criteria provided, single submitter. Criteria: Ambry Variant Classification Scheme 2023. Collection method: clinical testing. Allele origin: germline.
Comment: The p.R429I variant (also known as c.1286G>T), located in coding exon 12 of the RAD54L gene, results from a G to T substitution at nucleotide position 1286. The arginine at codon 429 is replaced by isoleucine, an amino acid with similar properties. This amino acid position is conserved. In addition, this alteration is predicted to be tolerated by in silico analysis. Since supporting evidence is limited at this time, the clinical significance of this alteration remains unclear.

NM_003579.4(RAD54L):c.1286G>T (p.Arg429Ile)

Gene: RAD54L (RAD54 like; plus strand). Cytogenetic location: 1p34.1.
Variant type: single nucleotide variant.
Coding change: c.1286G>T on transcript NM_003579.4 (MANE Select); coding-DNA position 1286, G replaced by T.
Protein change: p.Arg429Ile; replaces arginine 429 with isoleucine.
Molecular consequence: missense variant.
Genome position (GRCh38, 1-based): chr1:46,272,713, G>T. VCF-style: chr1-46272713-G-T. GRCh37 (hg19) VCF-style: chr1-46738385-G-T.
Other names: c.1286G>T, p.Arg429Ile (NM_001142548.2); c.746G>T, p.Arg249Ile (NM_001370766.1); short protein forms R249I, R429I.
Identifiers: ClinVar variation 1768978 (VCV001768978.2), dbSNP rs2148300507, ClinGen allele CA340179312.